The following is an entry in ClinVar:

NM_000532.5(PCCB):c.819T>G (p.Asp273Glu)

Gene: PCCB (propionyl-CoA carboxylase subunit beta; plus strand). Cytogenetic location: 3q22.3.
Variant type: single nucleotide variant.
Coding change: c.819T>G on transcript NM_000532.5 (MANE Select); coding-DNA position 819, T replaced by G.
Protein change: p.Asp273Glu; replaces aspartic acid 273 with glutamic acid.
Molecular consequence: missense variant.
Genome position (GRCh38, 1-based): chr3:136,298,007, T>G. VCF-style: chr3-136298007-T-G. GRCh37 (hg19) VCF-style: chr3-136016849-T-G.
Other names: c.879T>G, p.Asp293Glu (NM_001178014.2); short protein forms D273E, D293E.
Identifiers: ClinVar variation 2196949 (VCV002196949.3), dbSNP rs2529877484, ClinGen allele CA354644658.
Genomic context (GRCh38, chr3:136,298,007, plus strand): 5'-CTTAGGTGTGGCCCACAGAGCTTTTGAAAATGATGTTGATGCCTTGTGTAATCTCCGGGA[T>G]TTCTTCAACTACCTGCCCCTGAGCAGTCAGGACCCGGCTCCCGTCCGTGAGTGCCACGAT-3'
Protein context (NP_000523.2, residues 263-283): NDVDALCNLR[Asp273Glu]FFNYLPLSSQ

ClinVar aggregate classification (germline): Uncertain significance (1 of 4 stars; one submission).

Conditions:
Propionic acidemia (PROP). Also called: GLYCINEMIA, KETOTIC; HYPERGLYCINEMIA WITH KETOACIDOSIS AND LEUKOPENIA; KETOTIC HYPERGLYCINEMIA. Identifiers: Orphanet 35, MedGen C0268579, MONDO:0011628, OMIM 606054, HP:0003571.

Allele frequency attached by ClinVar (database versions not stated): gnomAD exomes 0.00001.
gnomAD v4.1: 10 of 1,614,078 alleles (0.00062%); highest among the groups gnomAD compares: Non-Finnish European, 0.00068%; no homozygotes.

Submission:

Labcorp Genetics (formerly Invitae), Labcorp
Classification: Uncertain significance for Propionic acidemia. Last evaluated: 2024-07-22. Review status: criteria provided, single submitter. Criteria: Invitae Variant Classification Sherloc (09022015). Collection method: clinical testing. Allele origin: germline.
Comment: This sequence change replaces aspartic acid, which is acidic and polar, with glutamic acid, which is acidic and polar, at codon 273 of the PCCB protein (p.Asp273Glu). This variant is not present in population databases (gnomAD no frequency). This variant has not been reported in the literature in individuals affected with PCCB-related conditions. ClinVar contains an entry for this variant (Variation ID: 2196949). Advanced modeling of protein sequence and biophysical properties (such as structural, functional, and spatial information, amino acid conservation, physicochemical variation, residue mobility, and thermodynamic stability) performed at Invitae indicates that this missense variant is not expected to disrupt PCCB protein function with a negative predictive value of 95%. In summary, the available evidence is currently insufficient to determine the role of this variant in disease. Therefore, it has been classified as a Variant of Uncertain Significance.